The following is an entry in ClinVar:

ClinVar aggregate classification (germline): Uncertain significance (1 of 4 stars; one submission).

Conditions:
TMEM94-related disorder. Also called: TMEM94-related condition.

Allele frequency attached by ClinVar (database versions not stated): TOPMed 0.00006.
gnomAD v4.1: 34 of 1,613,592 alleles (0.0021%); highest among the groups gnomAD compares: Admixed American, 0.057%; no homozygotes.

Submission:

PreventionGenetics, part of Exact Sciences
Classification: Uncertain significance for TMEM94-related condition. Last evaluated: 2025-01-03. Review status: criteria provided, single submitter. Criteria: ACMG Guidelines, 2015. Collection method: clinical testing. Allele origin: germline.
Comment: The TMEM94 c.3197C>T variant is predicted to result in the amino acid substitution p.Thr1066Ile. To our knowledge, this variant has not been reported in the literature. This variant is reported in 0.090% of alleles in individuals of Latino descent in gnomAD, which may be too common to be an unreported disease-causing variant. Although we suspect that this variant may be benign, at this time, the clinical significance of this variant is uncertain due to the absence of conclusive functional and genetic evidence.

NM_014738.6(TMEM94):c.3197C>T (p.Thr1066Ile)

Gene: TMEM94 (transmembrane protein 94; plus strand). Cytogenetic location: 17q25.1.
Variant type: single nucleotide variant.
Coding change: c.3197C>T on transcript NM_014738.6 (MANE Select); coding-DNA position 3197, C replaced by T.
Protein change: p.Thr1066Ile; replaces threonine 1066 with isoleucine.
Molecular consequence: missense variant.
Genome position (GRCh38, 1-based): chr17:75,496,425, C>T. VCF-style: chr17-75496425-C-T. GRCh37 (hg19) VCF-style: chr17-73492506-C-T.
Other names: c.3227C>T, p.Thr1076Ile (NM_001321148.2); c.3209C>T, p.Thr1070Ile (NM_001321149.2); c.3149C>T, p.Thr1050Ile (NM_001351202.2); c.3224C>T, p.Thr1075Ile (NM_001351203.2); short protein forms T1050I, T1066I, T1070I, T1075I, T1076I.
Identifiers: ClinVar variation 2634348 (VCV002634348.2), dbSNP rs555966057, ClinGen allele CA8762406.